The following is an entry in ClinVar:

ClinVar aggregate classification (germline): Likely benign (1 of 4 stars; one submission).

Allele frequency attached by ClinVar (database versions not stated): TOPMed 0.00008; gnomAD 0.00021; 1000 Genomes Project 30x 0.00078; 1000 Genomes Project 0.00100.
gnomAD v4.1: 641 of 1,614,028 alleles (0.04%); highest among the groups gnomAD compares: South Asian, 0.6%; 7 homozygotes.

Submission:

CeGaT Center for Human Genetics Tuebingen
Classification: Likely benign. Last evaluated: 2022-03-01. Review status: criteria provided, single submitter. Criteria: CeGaT Center For Human Genetics Tuebingen Variant Classification Criteria Version 2. Collection method: clinical testing. Allele origin: germline. Affected: yes. Observed: 1 variant allele.
Comment: FHL3: BP4, BP7

NM_004468.5(FHL3):c.438T>A (p.Gly146=)

Gene: FHL3 (four and a half LIM domains 3; minus strand). Cytogenetic location: 1p34.3.
Variant type: single nucleotide variant.
Coding change: c.438T>A on transcript NM_004468.5 (MANE Select); coding-DNA position 438, T replaced by A.
Protein change: p.Gly146=; no amino-acid change (glycine 146 retained).
Molecular consequence: synonymous variant.
Genome position (GRCh38, 1-based): chr1:37,998,026, A>T on the plus strand (T>A on the coding strand, the complement: FHL3 is on the minus strand). VCF-style: chr1-37998026-A-T. GRCh37 (hg19) VCF-style: chr1-38463698-A-T.
Other names: c.114T>A, p.Gly38= (NM_001243878.2).
Identifiers: ClinVar variation 2638684 (VCV002638684.24), dbSNP rs202242166, ClinGen allele CA777100.
Genomic context (GRCh38, chr1:37,998,026, plus strand): 5'-GCTGCAGCGGGCGCAGCGAGGAGCAAACTTGTTCTCATAGCAGGGCACGCAGTAGTGAGC[A>T]CCCTTGTCGGGCACAAAAGAACGGGAGCCCAGTGGCTGTTCACAGCCACTGCACAGGAAG-3'
Protein context (NP_004459.2, residues 136-156): LGSRSFVPDK[Gly146=]AHYCVPCYEN